The following is an entry in ClinVar:

NM_021067.5(GINS1):c.442A>G (p.Ile148Val)

Gene: GINS1 (GINS complex subunit 1; plus strand). Cytogenetic location: 20p11.21.
Variant type: single nucleotide variant.
Coding change: c.442A>G on transcript NM_021067.5 (MANE Select); coding-DNA position 442, A replaced by G.
Protein change: p.Ile148Val; replaces isoleucine 148 with valine.
Molecular consequence: missense variant. On other transcripts: non-coding transcript variant (1), intron variant (1).
Genome position (GRCh38, 1-based): chr20:25,425,322, A>G. VCF-style: chr20-25425322-A-G. GRCh37 (hg19) VCF-style: chr20-25405958-A-G.
Other names: c.187A>G, p.Ile63Val (NM_001410831.1); c.330+7127A>G (NM_001410830.1); short protein forms I148V, I63V.
Identifiers: ClinVar variation 2783939 (VCV002783939.3), dbSNP rs369073573, ClinGen allele CA313713913.
Genomic context (GRCh38, chr20:25,425,322, plus strand): 5'-CTGGGAGGAGATGAAGGTTTGGACATTACACAGGATATGAAACCACCAAAAAGCCTATAT[A>G]TTGAAGTATGTATATCTTTTTAAAATGCATTTTTCTTTAATGTGTAAATTGTGCTACCTT-3'
Protein context (NP_066545.3, residues 138-158): QDMKPPKSLY[Ile148Val]EVRCLKDYGE

ClinVar aggregate classification (germline): Uncertain significance (1 of 4 stars; one submission).

Allele frequency attached by ClinVar (database versions not stated): gnomAD exomes below 0.00001; gnomAD 0.00001; TOPMed 0.00001; ESP Exome Variant Server 0.00008.
gnomAD v4.1: 3 of 1,307,708 alleles (0.00023%); highest among the groups gnomAD compares: African/African-American, 0.0044%; no homozygotes.

Submission:

Labcorp Genetics (formerly Invitae), Labcorp
Classification: Uncertain significance. Last evaluated: 2023-04-17. Review status: criteria provided, single submitter. Criteria: Invitae Variant Classification Sherloc (09022015). Collection method: clinical testing. Allele origin: germline.
Comment: In summary, the available evidence is currently insufficient to determine the role of this variant in disease. Therefore, it has been classified as a Variant of Uncertain Significance. An algorithm developed to predict the effect of missense changes on protein structure and function (PolyPhen-2) suggests that this variant is likely to be tolerated. This variant has not been reported in the literature in individuals affected with GINS1-related conditions. This variant is not present in population databases (gnomAD no frequency). This sequence change replaces isoleucine, which is neutral and non-polar, with valine, which is neutral and non-polar, at codon 148 of the GINS1 protein (p.Ile148Val).